The following is an entry in ClinVar:

ClinVar aggregate classification (germline): Uncertain significance. Review status: criteria provided, multiple submitters, no conflicts (2 of 4 stars). 2 submissions from 2 submitters: Uncertain significance (2). Last evaluated 2025-07-13.

Conditions:
Early-infantile DEE. Also called: Ohtahara syndrome; Early infantile epileptic encephalopathy with suppression bursts; Early infantile epileptic encephalopathy. Identifiers: Orphanet 1934, MedGen C0393706, MONDO:0800491.
Inborn genetic diseases. Identifiers: MedGen C0950123, MeSH D030342.

Allele frequency attached by ClinVar (database versions not stated): TOPMed 0.00001.

Submissions (2):

Labcorp Genetics (formerly Invitae), Labcorp
Classification: Uncertain significance for Early-infantile DEE. Last evaluated: 2025-07-13. Review status: criteria provided, single submitter. Criteria: Invitae Variant Classification Sherloc (09022015). Collection method: clinical testing. Allele origin: germline.
Comment: This sequence change replaces arginine, which is basic and polar, with lysine, which is basic and polar, at codon 871 of the KCNQ2 protein (p.Arg871Lys). This variant is not present in population databases (gnomAD no frequency). This variant has not been reported in the literature in individuals affected with KCNQ2-related conditions. ClinVar contains an entry for this variant (Variation ID: 1039409). Invitae Evidence Modeling of protein sequence and biophysical properties (such as structural, functional, and spatial information, amino acid conservation, physicochemical variation, residue mobility, and thermodynamic stability) indicates that this missense variant is not expected to disrupt KCNQ2 protein function with a negative predictive value of 95%. In summary, the available evidence is currently insufficient to determine the role of this variant in disease. Therefore, it has been classified as a Variant of Uncertain Significance.

Ambry Genetics
Classification: Uncertain significance for Inborn genetic diseases. Last evaluated: 2025-04-04. Review status: criteria provided, single submitter. Criteria: Ambry Variant Classification Scheme 2023. Collection method: clinical testing. Allele origin: germline.

NM_172107.4(KCNQ2):c.2612G>A (p.Arg871Lys)

Gene: KCNQ2 (potassium voltage-gated channel subfamily Q member 2; minus strand). Cytogenetic location: 20q13.33.
Variant type: single nucleotide variant.
Coding change: c.2612G>A on transcript NM_172107.4 (MANE Select); coding-DNA position 2612, G replaced by A.
Protein change: p.Arg871Lys; replaces arginine 871 with lysine.
Molecular consequence: missense variant.
Genome position (GRCh38, 1-based): chr20:63,406,651, C>T on the plus strand (G>A on the coding strand, the complement: KCNQ2 is on the minus strand). VCF-style: chr20-63406651-C-T. GRCh37 (hg19) VCF-style: chr20-62038004-C-T.
Other names: c.2666G>A, p.Arg889Lys (NM_001382235.1); c.2528G>A, p.Arg843Lys (NM_004518.6); c.2558G>A, p.Arg853Lys (NM_172106.3); c.2519G>A, p.Arg840Lys (NM_172108.5); short protein forms R843K, R871K, R840K, R853K, R889K.
Identifiers: ClinVar variation 1039409 (VCV001039409.12), dbSNP rs2079942562, ClinGen allele CA409636316.